The following is an entry in ClinVar:

NM_001164665.2(KIAA1549):c.3037G>A (p.Val1013Ile)

Gene: KIAA1549 (KIAA1549; minus strand). Cytogenetic location: 7q34.
Variant type: single nucleotide variant.
Coding change: c.3037G>A on transcript NM_001164665.2 (MANE Select); coding-DNA position 3037, G replaced by A.
Protein change: p.Val1013Ile; replaces valine 1013 with isoleucine.
Molecular consequence: missense variant.
Genome position (GRCh38, 1-based): chr7:138,911,254, C>T on the plus strand (G>A on the coding strand, the complement: KIAA1549 is on the minus strand). VCF-style: chr7-138911254-C-T. GRCh37 (hg19) VCF-style: chr7-138596000-C-T.
Other names: c.3037G>A, p.Val1013Ile (NM_020910.3); short protein forms V1013I.
Identifiers: ClinVar variation 1051312 (VCV001051312.9), dbSNP rs762313878, ClinGen allele CA4506330.
Genomic context (GRCh38, chr7:138,911,254, plus strand): 5'-CAGACAGGATTAAAGGAGTCTGGTCACGGACAAGCTTACTGTTTATAAGCACATTTATGA[C>T]GGATATTGCCGTGTAAACGAAAGGACCGGATGTTACCAGAAAAGTGAAGTCAGTAAATAG-3'
Protein context (NP_001158137.1, residues 1003-1023): SGPFVYTAIS[Val1013Ile]INVLINSKLV

ClinVar aggregate classification (germline): Uncertain significance. Review status: criteria provided, multiple submitters, no conflicts (2 of 4 stars). 2 submissions from 2 submitters: Uncertain significance (2). Last evaluated 2022-11-29.

Allele frequency attached by ClinVar (database versions not stated): gnomAD exomes 0.00001; ExAC 0.00002; gnomAD 0.00003 and 0.00004; TOPMed 0.00003.
gnomAD v4.1: 38 of 1,603,846 alleles (0.0024%); highest among the groups gnomAD compares: South Asian, 0.0045%; no homozygotes.

Submissions (2):

Blueprint Genetics
Classification: Uncertain significance. Last evaluated: 2022-11-29. Review status: criteria provided, single submitter. Criteria: ACMG Guidelines, 2015. Collection method: clinical testing. Allele origin: germline.

Labcorp Genetics (formerly Invitae), Labcorp
Classification: Uncertain significance. Last evaluated: 2021-12-25. Review status: criteria provided, single submitter. Criteria: Invitae Variant Classification Sherloc (09022015). Collection method: clinical testing. Allele origin: germline.
Comment: Algorithms developed to predict the effect of missense changes on protein structure and function are either unavailable or do not agree on the potential impact of this missense change (SIFT: "Deleterious"; PolyPhen-2: "Probably Damaging"; Align-GVGD: "Class C0"). In summary, the available evidence is currently insufficient to determine the role of this variant in disease. Therefore, it has been classified as a Variant of Uncertain Significance. ClinVar contains an entry for this variant (Variation ID: 1051312). This variant has not been reported in the literature in individuals affected with KIAA1549-related conditions. The frequency data for this variant in the population databases is considered unreliable, as metrics indicate poor data quality at this position in the gnomAD database. This sequence change replaces valine, which is neutral and non-polar, with isoleucine, which is neutral and non-polar, at codon 1013 of the KIAA1549 protein (p.Val1013Ile).